The following is an entry in ClinVar:

ClinVar aggregate classification (germline): Conflicting classifications of pathogenicity. Review status: criteria provided, conflicting classifications (1 of 4 stars). 13 submissions from 13 submitters: Pathogenic (9); Uncertain significance (1). 3 of the submissions do not count toward it. Last evaluated 2026-07-23.

Conditions:
Hereditary cancer-predisposing syndrome. Also called: Hereditary Cancer Syndrome; Hereditary neoplastic syndrome; Neoplastic Syndromes, Hereditary; Tumor predisposition. Identifiers: Orphanet 140162, MedGen C0027672, MeSH D009386, MONDO:0015356.
Inherited breast cancer and ovarian cancer.
Hereditary breast ovarian cancer syndrome. Also called: BRCA1- and BRCA2-Associated Hereditary Breast and Ovarian Cancer; Hereditary breast and ovarian cancer syndrome; Hereditary breast and ovarian cancer syndrome (HBOC); Breast and ovarian cancer; Hereditary breast and/or ovarian cancer syndrome; Hereditary breast and ovarian cancer. Identifiers: Orphanet 145, MedGen C0677776, MeSH D061325, MONDO:0003582. Disease mechanism: loss of function.
Breast-ovarian cancer, familial, susceptibility to, 1 (BROVCA1). Also called: BRCA1 Hereditary Breast and Ovarian Cancer; OVARIAN CANCER, SUSCEPTIBILITY TO. Identifiers: Orphanet 145, MedGen C2676676, MONDO:0011450, OMIM 604370. Disease mechanism: loss of function.

Allele frequency attached by ClinVar (database versions not stated): gnomAD exomes 0.00001 and below 0.00001; ExAC 0.00001.

Submissions 1 to 8 of 13:

Genetics Laboratory, Great Ormond Street Hospital NHS Foundation Trust, North Thames Genomic Laboratory Hub
Classification: Uncertain significance for Inherited breast cancer and ovarian cancer. Last evaluated: 2026-07-23. Review status: criteria provided, single submitter. Criteria: CanVIG BRCA Gene Specific V1.22. Collection method: clinical testing. Allele origin: germline. Affected: yes.
Comment: PS4_supporting, PM2_supporting, PVS1_moderate

Quest Diagnostics Nichols Institute San Juan Capistrano
Classification: Pathogenic. Last evaluated: 2025-10-07. Review status: criteria provided, single submitter. Criteria: Quest Diagnostics criteria. Collection method: clinical testing. Allele origin: unknown.
Comment: The BRCA1 c.791_794del (p.Ser264Metfs*33) variant alters the translational reading frame of the BRCA1 mRNA and causes the premature termination of BRCA1 protein synthesis. This variant has been reported in the published literature in individuals and families affected with breast and/or ovarian cancer (PMID: 12955716 (2003), 23683081 (2013), 27425403 (2016), 27914478 (2016), 28888541 (2017), 29161300 (2017), 29907814 (2018), 38579039 (2024)). One functional study observed that no full-length transcript was produced from this variant allele and contributed to chromosomal fragility (PMID: 39596525 (2024)). The frequency of this variant in the general population (Genome Aggregation Database) is consistent with pathogenicity. Based on the available information, this variant is classified as pathogenic.

Labcorp Genetics (formerly Invitae), Labcorp
Classification: Pathogenic for Hereditary breast ovarian cancer syndrome. Last evaluated: 2025-09-22. Review status: criteria provided, single submitter. Criteria: Invitae Variant Classification Sherloc (09022015). Collection method: clinical testing. Allele origin: germline.
Comment: This sequence change creates a premature translational stop signal (p.Ser264Metfs*33) in the BRCA1 gene. It is expected to result in an absent or disrupted protein product. Loss-of-function variants in BRCA1 are known to be pathogenic (PMID: 20104584). This variant is present in population databases (rs80357707, gnomAD 0.003%). This premature translational stop signal has been observed in individual(s) with breast and/or ovarian cancer (PMID: 11857748, 12955716, 23683081, 27425403, 27914478, 29907814). This variant is also known as 910delGTTC, 910del4, and 910_913delGTTC. ClinVar contains an entry for this variant (Variation ID: 55705). Studies have shown that this premature translational stop signal is associated with inconclusive levels of altered splicing (internal data). For these reasons, this variant has been classified as Pathogenic.

Ambry Genetics
Classification: Pathogenic for Hereditary cancer-predisposing syndrome. Last evaluated: 2025-07-16. Review status: criteria provided, single submitter. Criteria: Ambry Variant Classification Scheme 2023. Collection method: clinical testing. Allele origin: germline.
Comment: The c.791_794delGTTC pathogenic mutation, located in coding exon 9 of the BRCA1 gene, results from a deletion of 4 nucleotides at nucleotide positions 791 to 794, causing a translational frameshift with a predicted alternate stop codon (p.S264Mfs*33). This alteration has been reported in multiple Spanish and Brazilian HBOC families (Llort G et al. Hum. Mutat. 2002 Mar;19(3):307; D&iacute;ez O et al. Hum. Mutat. 2003 Oct;22:301-12; Blay P et al. BMC Cancer 2013 May;13:243; Alemar B et al. Cancer Genet. 2016 09;209:417-422; Alemar B et al. PLoS ONE 2017 Nov;12:e0187630; Palmero EI et al. Sci. Rep. 2018 Jun;8:9188). Of note, in silico splice site analysis predicts that this alteration will result in the creation or strengthening of a novel splice donor site. RNA studies have demonstrated that this alteration results in an increase in a naturally occurring transcript predicted to lead to a protein with an in-frame deletion of 1103 amino acids (Helbling-Leclerc A et al. Int J Mol Sci. 2024 Nov;25(22); Ambry internal data). This transcript is known as &Delta;11q in the literature, and functional studies are discordant with regard to retained activity and the clinical impact of loss of these amino acids (Colombo M et al. Hum. Mol. Genet. 2014; 23(14):3666&ndash;3680; Thakur S et al. Mol. Cell. Biol. 1997 Jan; 17(1):444-52; Huber LJ et al. Mol. Cell. Biol. 2001 Jun; 21(12):4005-15). Based on the majority of available evidence to date, this variant is likely to be pathogenic. However, carriers of this variant and their families may present with reduced risks, and not with the typical clinical characteristics of a high-risk pathogenic BRCA1 alteration. As risk estimates are unknown at this time, clinical correlation is advised.

GeneDx
Classification: Pathogenic. Last evaluated: 2024-11-06. Review status: criteria provided, single submitter. Criteria: GeneDx Variant Classification Process June 2021. Collection method: clinical testing. Allele origin: germline.
Comment: Frameshift variant predicted to result in protein truncation or nonsense mediated decay in a gene for which loss of function is a known mechanism of disease; Observed in individuals with a personal or family history consistent with pathogenic variants in this gene (PMID: 11857748, 27425403, 27914478); Truncating variants in this gene are considered pathogenic by a well-established clinical consortium and/or database; Not observed at significant frequency in large population cohorts (gnomAD); Also known as 910_913del; This variant is associated with the following publications: (PMID: 27425403, 11857748, 27914478, 29907814, 29161300, 30720243, 31447099, 29922827, 28888541, 35957908)

Baylor Genetics
Classification: Pathogenic for Breast-ovarian cancer, familial, susceptibility to, 1. Last evaluated: 2023-11-10. Review status: criteria provided, single submitter. Criteria: ACMG Guidelines, 2015. Collection method: clinical testing. Allele origin: unknown.

Women's Health and Genetics/Laboratory Corporation of America, LabCorp
Classification: Pathogenic for Hereditary breast ovarian cancer syndrome. Last evaluated: 2022-10-28. Review status: criteria provided, single submitter. Criteria: LabCorp Variant Classification Summary - May 2015. Collection method: clinical testing. Allele origin: germline.
Comment: Variant summary: BRCA1 c.791_794delGTTC (p.Ser264MetfsX33) results in a premature termination codon, predicted to cause a truncation of the encoded protein or absence of the protein due to nonsense mediated decay, which are commonly known mechanisms for disease. Truncations downstream of this position have been classified as pathogenic by our laboratory. The variant allele was found at a frequency of 8e-06 in 249662 control chromosomes. c.791_794delGTTC has been reported in the literature in individuals affected with Hereditary Breast And Ovarian Cancer Syndrome (examples: Rebbeck_2018, Maistro_2016). To our knowledge, no experimental evidence demonstrating an impact on protein function has been reported. Six clinical diagnostic laboratories have submitted clinical-significance assessments for this variant to ClinVar after 2014 without evidence for independent evaluation. All laboratories classified the variant as pathogenic. Based on the evidence outlined above, the variant was classified as pathogenic.

Genetics Program, Instituto Nacional de Cancer
Classification: Pathogenic for Hereditary breast ovarian cancer syndrome. Last evaluated: 2021-11-01. Review status: criteria provided, single submitter. Criteria: ACMG Guidelines, 2015. Collection method: research. Allele origin: germline. Affected: yes.

NM_007294.4(BRCA1):c.791_794del (p.Ser264fs)

Gene: BRCA1 (BRCA1 DNA repair associated; minus strand). Cytogenetic location: 17q21.31.
Variant type: Deletion.
Coding change: c.791_794del on transcript NM_007294.4 (MANE Select); coding-DNA positions 791 to 794, 4 bases deleted (GTTC; older notation c.791_794delGTTC).
Protein change: p.Ser264fs; shifts the reading frame from serine 264.
Molecular consequence: frameshift variant. On other transcripts: intron variant (136), splice donor variant (1), 5 prime UTR variant (2).
Genome position (GRCh38, 1-based): chr17:43,094,737-43,094,740, GAAC deleted on the plus strand (GTTC on the coding strand, the reverse complement: BRCA1 is on the minus strand). VCF-style (leftmost placement, unchanged base first): chr17-43094736-AGAAC-A. GRCh37 (hg19) VCF-style: chr17-41246753-AGAAC-A.
Other names: 910del4; c.643+4_643+7del (NM_001408470.1, NM_001408464.1, NM_001408468.1 and 3 more transcripts); c.646+4_646+7del (NM_001408469.1, NM_001408453.1, NM_001408461.1 and 11 more transcripts); c.784+4_784+7del (NM_001408397.1, NM_001408401.1, NM_001408396.1 and 13 more transcripts); c.664+4_664+7del (NM_001408436.1, NM_001408444.1, NM_001408438.1 and 12 more transcripts); c.787+4_787+7del (NM_001407980.1, NM_001407993.1, NM_001407976.1 and 19 more transcripts); c.652+4_652+7del (NM_001408451.1); c.523+4_523+7del (NM_001408498.1, NM_001408501.1, NM_001408500.1 and 3 more transcripts); and 41 more; short protein forms S217fs, S264fs, S176fs, S194fs, S222fs, S196fs, S263fs, S96fs.
Identifiers: ClinVar variation 55705 (VCV000055705.92), dbSNP rs80357707, ClinGen allele CA354128.